The following is an entry in ClinVar:

ClinVar aggregate classification (germline): Uncertain significance. Review status: criteria provided, multiple submitters, no conflicts (2 of 4 stars). 3 submissions from 3 submitters: Uncertain significance (3). Last evaluated 2025-12-29.

Conditions:
Pheochromocytoma/paraganglioma syndrome 3. Also called: GLOMUS TUMORS, FAMILIAL, 3; Paragangliomas 3; SDHC-Related Hereditary Paraganglioma-Pheochromocytoma Syndrome (Paragangliomas 3); SDHC-Related Hereditary Paraganglioma-Pheochromocytoma Syndrome. Identifiers: Orphanet 29072, MedGen C1854336, MONDO:0011544, OMIM 605373.
Gastrointestinal stromal tumor. Also called: Gastrointestinal stroma tumor; Gastrointestinal stromal tumor, somatic. Identifiers: Orphanet 44890, MedGen C0238198, MeSH D046152, MONDO:0011719, OMIM 606764, HP:0100723.
Hereditary cancer-predisposing syndrome. Also called: Tumor predisposition; Hereditary Cancer Syndrome; Hereditary neoplastic syndrome; Neoplastic Syndromes, Hereditary. Identifiers: Orphanet 140162, MedGen C0027672, MeSH D009386, MONDO:0015356.

Allele frequency attached by ClinVar (database versions not stated): gnomAD exomes below 0.00001.
gnomAD v4.1: 3 of 1,613,794 alleles (0.00019%); highest among the groups gnomAD compares: South Asian, 0.0011%; no homozygotes.

Submissions (3):

Center for Genomic Medicine, Rigshospitalet, Copenhagen University Hospital
Classification: Uncertain significance. Last evaluated: 2025-12-29. Review status: criteria provided, single submitter. Criteria: ACMG Guidelines, 2015. Collection method: clinical testing. Allele origin: germline.
Comment: Classification criteria: PP3_moderate

Ambry Genetics
Classification: Uncertain significance for Hereditary cancer-predisposing syndrome. Last evaluated: 2025-06-15. Review status: criteria provided, single submitter. Criteria: Ambry Variant Classification Scheme 2023. Collection method: clinical testing. Allele origin: germline.
Comment: The p.L63F variant (also known as c.187C>T), located in coding exon 4 of the SDHC gene, results from a C to T substitution at nucleotide position 187. The leucine at codon 63 is replaced by phenylalanine, an amino acid with highly similar properties. This amino acid position is conserved. In addition, this alteration is predicted to be deleterious by in silico analysis. Based on the available evidence, the clinical significance of this variant remains unclear.

Labcorp Genetics (formerly Invitae), Labcorp
Classification: Uncertain significance for Pheochromocytoma/paraganglioma syndrome 3; Gastrointestinal stromal tumor. Last evaluated: 2021-06-15. Review status: criteria provided, single submitter. Criteria: Invitae Variant Classification Sherloc (09022015). Collection method: clinical testing. Allele origin: germline.
Comment: This variant has not been reported in the literature in individuals with SDHC-related conditions. This variant is not present in population databases (ExAC no frequency). This sequence change replaces leucine with phenylalanine at codon 63 of the SDHC protein (p.Leu63Phe). The leucine residue is moderately conserved and there is a small physicochemical difference between leucine and phenylalanine. Algorithms developed to predict the effect of missense changes on protein structure and function are either unavailable or do not agree on the potential impact of this missense change (SIFT: "Deleterious"; PolyPhen-2: "Probably Damaging"; Align-GVGD: "Class C0"). In summary, the available evidence is currently insufficient to determine the role of this variant in disease. Therefore, it has been classified as a Variant of Uncertain Significance.

NM_003001.5(SDHC):c.187C>T (p.Leu63Phe)

Gene: SDHC (succinate dehydrogenase complex subunit C; plus strand). Cytogenetic location: 1q23.3.
Variant type: single nucleotide variant.
Coding change: c.187C>T on transcript NM_003001.5 (MANE Select); coding-DNA position 187, C replaced by T.
Protein change: p.Leu63Phe; replaces leucine 63 with phenylalanine.
Molecular consequence: missense variant.
Genome position (GRCh38, 1-based): chr1:161,340,601, C>T. VCF-style: chr1-161340601-C-T. GRCh37 (hg19) VCF-style: chr1-161310391-C-T.
Other names: c.187C>T, p.Leu63Phe (NM_001035511.3); c.85C>T, p.Leu29Phe (NM_001035512.3, NM_001278172.3, NM_001407118.1); c.28C>T, p.Leu10Phe (NM_001035513.3); c.307C>T, p.Leu103Phe (NM_001407115.1); c.130C>T, p.Leu44Phe (NM_001407116.1, NM_001407117.1, NM_001407121.1); c.76C>T, p.Leu26Phe (NM_001407119.1, NM_001407120.1); short protein forms L29F, L63F, L10F, L44F, L26F, L103F.
Identifiers: ClinVar variation 1418869 (VCV001418869.11), dbSNP rs2102336071, ClinGen allele CA343365677.